The following is an entry in ClinVar:

NM_007294.4(BRCA1):c.4465A>G (p.Lys1489Glu)

Gene: BRCA1 (BRCA1 DNA repair associated; minus strand). Cytogenetic location: 17q21.31.
Variant type: single nucleotide variant.
Coding change: c.4465A>G on transcript NM_007294.4 (MANE Select); coding-DNA position 4465, A replaced by G.
Protein change: p.Lys1489Glu; replaces lysine 1489 with glutamic acid.
Molecular consequence: missense variant. On other transcripts: non-coding transcript variant (1).
Genome position (GRCh38, 1-based): chr17:43,076,507, T>C on the plus strand (A>G on the coding strand, the complement: BRCA1 is on the minus strand). VCF-style: chr17-43076507-T-C. GRCh37 (hg19) VCF-style: chr17-41228524-T-C.
Other names: c.4339A>G, p.Lys1447Glu (NM_001407670.1, NM_001407671.1, NM_001407672.1 and 11 more transcripts); c.4387A>G, p.Lys1463Glu (NM_001407654.1, NM_001407655.1, NM_001407653.1); c.4384A>G, p.Lys1462Glu (NM_001407656.1, NM_001407657.1, NM_001407658.1); c.4381A>G, p.Lys1461Glu (NM_001407662.1, NM_001407663.1, NM_001407659.1 and 2 more transcripts); c.4342A>G, p.Lys1448Glu (NM_001407664.1, NM_001407665.1, NM_001407666.1 and 6 more transcripts); c.4252A>G, p.Lys1418Glu (NM_001407571.1, NM_001407894.1, NM_001407895.1 and 12 more transcripts); c.4531A>G, p.Lys1511Glu (NM_001407581.1, NM_001407582.1); c.4528A>G, p.Lys1510Glu (NM_001407583.1, NM_001407585.1, NM_001407587.1 and 1 more transcripts); and 68 more; short protein forms K1489E, K1442E, K1510E, K385E, K1360E, K1361E, K1401E, K1417E.
Identifiers: ClinVar variation 951096 (VCV000951096.13), dbSNP rs2052721149, ClinGen allele CA10592602.

ClinVar aggregate classification (germline): Uncertain significance. Review status: criteria provided, multiple submitters, no conflicts (2 of 4 stars). 3 submissions from 3 submitters: Uncertain significance (3). Last evaluated 2025-12-15.

Conditions:
Hereditary breast ovarian cancer syndrome. Also called: Hereditary breast and ovarian cancer; Hereditary breast and/or ovarian cancer syndrome; Hereditary breast and ovarian cancer syndrome; Hereditary breast and ovarian cancer syndrome (HBOC); BRCA1- and BRCA2-Associated Hereditary Breast and Ovarian Cancer; Breast and ovarian cancer. Identifiers: Orphanet 145, MedGen C0677776, MeSH D061325, MONDO:0003582. Disease mechanism: loss of function.
Hereditary cancer-predisposing syndrome. Also called: Tumor predisposition; Hereditary neoplastic syndrome; Neoplastic Syndromes, Hereditary; Hereditary Cancer Syndrome. Identifiers: Orphanet 140162, MedGen C0027672, MeSH D009386, MONDO:0015356.

Allele frequency attached by ClinVar (database versions not stated): gnomAD exomes below 0.00001.
gnomAD v4.1: 1 of 1,613,840 alleles (0.000062%); highest among the groups gnomAD compares: Non-Finnish European, 0.000085%; no homozygotes.

Submissions (3):

Labcorp Genetics (formerly Invitae), Labcorp
Classification: Uncertain significance for Hereditary breast ovarian cancer syndrome. Last evaluated: 2025-12-15. Review status: criteria provided, single submitter. Criteria: Invitae Variant Classification Sherloc (09022015). Collection method: clinical testing. Allele origin: germline.
Comment: This sequence change replaces lysine, which is basic and polar, with glutamic acid, which is acidic and polar, at codon 1489 of the BRCA1 protein (p.Lys1489Glu). This variant is not present in population databases (gnomAD no frequency). This missense change has been observed in individual(s) with breast cancer (PMID: 22655046). ClinVar contains an entry for this variant (Variation ID: 951096). Invitae Evidence Modeling of protein sequence and biophysical properties (such as structural, functional, and spatial information, amino acid conservation, physicochemical variation, residue mobility, and thermodynamic stability) indicates that this missense variant is not expected to disrupt BRCA1 protein function with a negative predictive value of 95%. In summary, the available evidence is currently insufficient to determine the role of this variant in disease. Therefore, it has been classified as a Variant of Uncertain Significance.

Ambry Genetics
Classification: Uncertain significance for Hereditary cancer-predisposing syndrome. Last evaluated: 2025-11-12. Review status: criteria provided, single submitter. Criteria: Ambry Variant Classification Scheme 2023. Collection method: clinical testing. Allele origin: germline.
Comment: The p.K1489E variant (also known as c.4465A>G), located in coding exon 12 of the BRCA1 gene, results from an A to G substitution at nucleotide position 4465. The lysine at codon 1489 is replaced by glutamic acid, an amino acid with similar properties. This amino acid position is not well conserved in available vertebrate species. In addition, this alteration is predicted to be tolerated by in silico analysis. Based on the available evidence, the clinical significance of this variant remains unclear.

GeneDx
Classification: Uncertain significance. Last evaluated: 2023-11-21. Review status: criteria provided, single submitter. Criteria: GeneDx Variant Classification Process June 2021. Collection method: clinical testing. Allele origin: germline. Affected: yes.
Comment: Observed in a patient with personal and family history of breast cancer (PMID: 22655046); In silico analysis supports that this missense variant does not alter protein structure/function; Not observed at significant frequency in large population cohorts (gnomAD); Also known as 4584A>G; This variant is associated with the following publications: (PMID: 22655046, 15343273, 22737296)

Literature cited by the submitters: PubMed 22655046 (cited by Labcorp Genetics (formerly Invitae), Labcorp).